The following is an entry in ClinVar:

ClinVar aggregate classification (germline): Uncertain significance (1 of 4 stars; one submission).

Conditions:
Inborn genetic diseases. Identifiers: MedGen C0950123, MeSH D030342.

gnomAD v4.1: 2 of 1,614,006 alleles (0.00012%); highest among the groups gnomAD compares: Non-Finnish European, 0.00017%; no homozygotes.

Submission:

Ambry Genetics
Classification: Uncertain significance for Inborn genetic diseases. Last evaluated: 2025-02-06. Review status: criteria provided, single submitter. Criteria: Ambry Variant Classification Scheme 2023. Collection method: clinical testing. Allele origin: germline.
Comment: The p.V219L variant (also known as c.655G>C), located in coding exon 1 of the SAMD9 gene, results from a G to C substitution at nucleotide position 655. The valine at codon 219 is replaced by leucine, an amino acid with highly similar properties. This amino acid position is conserved. In addition, this alteration is predicted to be tolerated by in silico analysis. Based on the available evidence, the clinical significance of this variant remains unclear.

NM_017654.4(SAMD9):c.655G>C (p.Val219Leu)

Gene: SAMD9 (sterile alpha motif domain containing 9; minus strand). Cytogenetic location: 7q21.2.
Variant type: single nucleotide variant.
Coding change: c.655G>C on transcript NM_017654.4 (MANE Select); coding-DNA position 655, G replaced by C.
Protein change: p.Val219Leu; replaces valine 219 with leucine.
Molecular consequence: missense variant.
Genome position (GRCh38, 1-based): chr7:93,105,443, C>G on the plus strand (G>C on the coding strand, the complement: SAMD9 is on the minus strand). VCF-style: chr7-93105443-C-G. GRCh37 (hg19) VCF-style: chr7-92734756-C-G.
Other names: c.655G>C, p.Val219Leu (NM_001193307.2); short protein forms V219L.
Identifiers: ClinVar variation 3792058 (VCV003792058.1).